The following is an entry in ClinVar:

NM_201384.3(PLEC):c.4555_4556inv (p.Ser1519Glu)

Gene: PLEC (plectin; minus strand). Cytogenetic location: 8q24.3.
Variant type: Inversion.
Coding change: c.4555_4556inv on transcript NM_201384.3 (MANE Select).
Protein change: p.Ser1519Glu; replaces serine 1519 with glutamic acid.
Molecular consequence: missense variant.
Genome position: GRCh38 VCF-style: chr8-143925373-GA-TC. GRCh37 (hg19) VCF-style: chr8-144999541-GA-TC.
Other names: c.4636_4637inv, p.Ser1546Glu (NM_000445.5); c.4513_4514inv, p.Ser1505Glu (NM_201378.4); c.4489_4490inv, p.Ser1497Glu (NM_201379.3); c.4966_4967inv, p.Ser1656Glu (NM_201380.4); c.4459_4460inv, p.Ser1487Glu (NM_201381.3); c.4555_4556inv, p.Ser1519Glu (NM_201382.4); c.4567_4568inv, p.Ser1523Glu (NM_201383.3); short protein forms S1546E, S1505E, S1519E, S1523E, S1656E, S1487E, S1497E.
Identifiers: ClinVar variation 283397 (VCV000283397.9), ClinGen allele CA10604479.

ClinVar aggregate classification (germline): Uncertain significance. Review status: criteria provided, multiple submitters, no conflicts (2 of 4 stars). 2 submissions from 2 submitters: Uncertain significance (2). Last evaluated 2024-10-29.

Conditions:
Epidermolysis bullosa simplex with nail dystrophy (EBS5D). Identifiers: MedGen C4225309, MONDO:0014661, OMIM 616487.
Epidermolysis bullosa simplex 5C, with pyloric atresia (EBS5C). Also called: PLEC-Related Epidermolysis Bullosa with Pyloric Atresia; Epidermolysis bullosa simplex with pyloric atresia; PLEC1-Related Epidermolysis Bullosa with Pyloric Atresia. Identifiers: Orphanet 158684, MedGen C2677349, MONDO:0012807, OMIM 612138.
Autosomal recessive limb-girdle muscular dystrophy type 2Q (LGMDR17). Also called: MUSCULAR DYSTROPHY, LIMB-GIRDLE, AUTOSOMAL RECESSIVE 17. Identifiers: Orphanet 254361, MedGen C3150989, MONDO:0013390, OMIM 613723.
Epidermolysis bullosa simplex 5B, with muscular dystrophy (EBS5B). Also called: EPIDERMOLYSIS BULLOSA SIMPLEX AND LIMB-GIRDLE MUSCULAR DYSTROPHY; Epidermolysis bullosa simplex with muscular dystrophy. Identifiers: Orphanet 257, MedGen C2931072, MONDO:0009181, OMIM 226670.
Epidermolysis bullosa simplex, Ogna type (EBS5A). Also called: Pidermolysis bullosa simplex 5A, Ogna type; EPIDERMOLYSIS BULLOSA SIMPLEX 5A, OGNA TYPE. Identifiers: Orphanet 79401, MedGen C0432317, MONDO:0007555, OMIM 131950.

Submissions (2):

Labcorp Genetics (formerly Invitae), Labcorp
Classification: Uncertain significance for Autosomal recessive limb-girdle muscular dystrophy type 2Q; Epidermolysis bullosa simplex, Ogna type; Epidermolysis bullosa simplex with nail dystrophy; Epidermolysis bullosa simplex 5C, with pyloric atresia; Epidermolysis bullosa simplex 5B, with muscular dystrophy. Last evaluated: 2024-10-29. Review status: criteria provided, single submitter. Criteria: Invitae Variant Classification Sherloc (09022015). Collection method: clinical testing. Allele origin: germline.
Comment: This sequence change replaces serine, which is neutral and polar, with glutamic acid, which is acidic and polar, at codon 1546 of the PLEC protein (p.Ser1546Glu). This variant is present in population databases (no rsID available, gnomAD 0.003%). This variant has not been reported in the literature in individuals affected with PLEC-related conditions. ClinVar contains an entry for this variant (Variation ID: 283397). Experimental studies and prediction algorithms are not available or were not evaluated, and the functional significance of this variant is currently unknown. In summary, the available evidence is currently insufficient to determine the role of this variant in disease. Therefore, it has been classified as a Variant of Uncertain Significance.

Eurofins Ntd Llc (ga)
Classification: Uncertain significance. Last evaluated: 2015-09-14. Review status: criteria provided, single submitter. Criteria: EGL Classification Definitions 2015. Collection method: clinical testing. Allele origin: germline. Observed: 1 variant allele, 1 heterozygote.